The following is an entry in ClinVar:

ClinVar aggregate classification (germline): Uncertain significance (1 of 4 stars; one submission).

Submission:

GeneDx
Classification: Uncertain significance. Last evaluated: 2026-02-12. Review status: criteria provided, single submitter. Criteria: GeneDx Variant Classification Process June 2021. Collection method: clinical testing. Allele origin: germline.
Comment: Not observed at significant frequency in large population cohorts (gnomAD); In silico analysis supports that this missense variant has a deleterious effect on protein structure/function; Has not been previously published as pathogenic or benign to our knowledge

NM_004341.5(CAD):c.1211T>A (p.Leu404His)

Gene: CAD (carbamoyl-phosphate synthetase 2, aspartate transcarbamylase, and dihydroorotase; plus strand). Cytogenetic location: 2p23.3.
Variant type: single nucleotide variant.
Coding change: c.1211T>A on transcript NM_004341.5 (MANE Select); coding-DNA position 1211, T replaced by A.
Protein change: p.Leu404His; replaces leucine 404 with histidine.
Molecular consequence: missense variant.
Genome position (GRCh38, 1-based): chr2:27,224,447, T>A. VCF-style: chr2-27224447-T-A. GRCh37 (hg19) VCF-style: chr2-27447315-T-A.
Other names: c.1211T>A, p.Leu404His (NM_001306079.2); short protein forms L404H.
Identifiers: ClinVar variation 4976556 (VCV004976556.1).
Genomic context (GRCh38, chr2:27,224,447, plus strand): 5'-CCACTCCCGGCTCTGGACTTCCACCACCACGAAAGGTTCTGATCCTGGGCTCAGGGGGCC[T>A]CTCCATTGGCCAAGCTGGAGAATTTGACTACTCGGGCTCTCAGGTGAGGCATGTTCCTCC-3'
Protein context (NP_004332.2, residues 394-414): RKVLILGSGG[Leu404His]SIGQAGEFDY